The following is an entry in ClinVar:

ClinVar aggregate classification (germline): Uncertain significance (1 of 4 stars; one submission).

Conditions:
Episodic ataxia type 2 (EA2). Also called: ATAXIA, EPISODIC, WITH NYSTAGMUS; ATAXIA, FAMILIAL PAROXYSMAL; CEREBELLAR ATAXIA, PAROXYSMAL, ACETAZOLAMIDE-RESPONSIVE; CEREBELLOPATHY, HEREDITARY PAROXYSMAL; ACETAZOLAMIDE-RESPONSIVE HEREDITARY PAROXYSMAL CEREBELLAR ATAXIA; EPISODIC ATAXIA, NYSTAGMUS-ASSOCIATED. Identifiers: Orphanet 97, MedGen C1720416, MONDO:0007163, OMIM 108500.
Developmental and epileptic encephalopathy, 42 (DEE42A). Also called: EPILEPTIC ENCEPHALOPATHY, EARLY INFANTILE, 42A; Epileptic encephalopathy, early infantile, 42; DEVELOPMENTAL AND EPILEPTIC ENCEPHALOPATHY 42A. Identifiers: MedGen C4310716, MONDO:0014917, OMIM 617106.

Allele frequency attached by ClinVar (database versions not stated): TOPMed below 0.00001; gnomAD 0.00001; gnomAD exomes 0.00001.
gnomAD v4.1: 12 of 1,609,218 alleles (0.00075%); highest among the groups gnomAD compares: Non-Finnish European, 0.001%; no homozygotes.

Submission:

Labcorp Genetics (formerly Invitae), Labcorp
Classification: Uncertain significance for Developmental and epileptic encephalopathy, 42; Episodic ataxia type 2. Last evaluated: 2022-08-11. Review status: criteria provided, single submitter. Criteria: Invitae Variant Classification Sherloc (09022015). Collection method: clinical testing. Allele origin: germline.
Comment: This sequence change replaces aspartic acid, which is acidic and polar, with glycine, which is neutral and non-polar, at codon 799 of the CACNA1A protein (p.Asp799Gly). This variant is present in population databases (no rsID available, gnomAD 0.002%). This variant has not been reported in the literature in individuals affected with CACNA1A-related conditions. Advanced modeling of protein sequence and biophysical properties (such as structural, functional, and spatial information, amino acid conservation, physicochemical variation, residue mobility, and thermodynamic stability) performed at Invitae indicates that this missense variant is not expected to disrupt CACNA1A protein function. In summary, the available evidence is currently insufficient to determine the role of this variant in disease. Therefore, it has been classified as a Variant of Uncertain Significance.

NM_001127222.2(CACNA1A):c.2393A>G (p.Asp798Gly)

Gene: CACNA1A (calcium voltage-gated channel subunit alpha1 A; minus strand). Cytogenetic location: 19p13.13.
Variant type: single nucleotide variant.
Coding change: c.2393A>G on transcript NM_001127222.2 (MANE Select); coding-DNA position 2393, A replaced by G.
Protein change: p.Asp798Gly; replaces aspartic acid 798 with glycine.
Molecular consequence: missense variant.
Genome position (GRCh38, 1-based): chr19:13,299,240, T>C on the plus strand (A>G on the coding strand, the complement: CACNA1A is on the minus strand). VCF-style: chr19-13299240-T-C. GRCh37 (hg19) VCF-style: chr19-13410054-T-C.
Other names: c.2405A>G, p.Asp802Gly (NM_000068.4, NM_023035.3); c.2396A>G, p.Asp799Gly (NM_001127221.2, NM_001174080.2); short protein forms D798G, D799G, D802G.
Identifiers: ClinVar variation 1971455 (VCV001971455.5), dbSNP rs1060499675, ClinGen allele CA404343547.